The following is an entry in ClinVar:

NM_080822.3(OVCA2):c.192C>T (p.Cys64=)

Genes: DPH1 (diphthamide biosynthesis 1; plus strand), OVCA2 (OVCA2 serine hydrolase domain containing; plus strand). Cytogenetic location: 17p13.3.
Variant type: single nucleotide variant.
Coding change: c.192C>T on transcript NM_080822.3 (MANE Select); coding-DNA position 192, C replaced by T.
Protein change: p.Cys64=; no amino-acid change (cysteine 64 retained).
Molecular consequence: synonymous variant. On other transcripts: 3 prime UTR variant (4), non-coding transcript variant (3).
Genome position (GRCh38, 1-based): chr17:2,042,612, C>T. VCF-style: chr17-2042612-C-T. GRCh37 (hg19) VCF-style: chr17-1945906-C-T.
Other names: c.*26C>T (NM_001346574.1, NM_001346575.1, NM_001346576.2 and 1 more transcripts).
Identifiers: ClinVar variation 3389565 (VCV003389565.14).
Genomic context (GRCh38, chr17:2,042,612, plus strand): 5'-TTCCTGGAGCCTCCCATGCCCTAATCCCATCCTTTTTCCTCATATCGCTGTAGGGTCCTG[C>T]CCTCCGGAGGAGCAGCCTCGAGGCTGGTGGTTTTCAGAGCAGGAGGCCGACGTTTTCTCC-3'
Protein context (NP_543012.1, residues 54-74): PEGARSDFGS[Cys64=]PPEEQPRGWW

ClinVar aggregate classification (germline): Likely benign (1 of 4 stars; one submission).

gnomAD v4.1: 3 of 1,519,482 alleles (0.0002%); highest among the groups gnomAD compares: Non-Finnish European, 0.00026%; no homozygotes.

Submission:

CeGaT Center for Human Genetics Tuebingen
Classification: Likely benign. Last evaluated: 2024-09-01. Review status: criteria provided, single submitter. Criteria: CeGaT Center For Human Genetics Tuebingen Variant Classification Criteria Version 2. Collection method: clinical testing. Allele origin: germline. Affected: yes. Observed: 1 variant allele.
Comment: OVCA2: BP4, BP7